The following is an entry in ClinVar:

NC_000017.11:g.46092442_46502770dup

Genes: ARL17A (ARF like GTPase 17A; minus strand), ARL17B (ARF like GTPase 17B; minus strand), KANSL1 (KAT8 regulatory NSL complex subunit 1), KANSL1-AS1 (KANSL1 antisense RNA 1), LRRC37A (leucine rich repeat containing 37A) and 4 more. Cytogenetic location: 17q21.31.
Variant type: Duplication.
Identifiers: ClinVar variation 157388 (VCV000157388.3).

ClinVar aggregate classification (germline): not provided. Review status: no classification provided (0 of 4 stars). 4 submissions from 1 submitter: not provided (4).

Conditions:
Preeclampsia. Identifiers: Orphanet 275555, MedGen C0032914, MONDO:0005081, HP:0100602.
Normal pregnancy. Identifiers: MedGen C0232989.
Gestational diabetes mellitus uncontrolled. Identifiers: MedGen C3532257.
Large for gestational age. Identifiers: MedGen C1848395, HP:0001520.

Submissions (4):

Institute of Molecular and Cell Biology, University of Tartu
No classification provided. Condition: Preeclampsia. Review status: no classification provided. Collection method: case-control. Allele origin: unknown. Affected: yes. Study: Kasak2014.
Comment: The study aimed to determine the contribution of copy number variants in the genetic etiology of normal and complicated pregnancies. The samples represented (i) maternal blood DNA drawn from healthy pregnant women during 1st or 2nd trimester and (ii) maternal and paternal blood DNA drawn at term pregnancy cases representing normal and complicated gestations (severe preeclampsia, PE; gestational diabetes, GD; small-for-gestational age newborn, SGA; large-for-gestational age newborn, LGA). We performed CNV calling based on genome-wide genotyping dataset (Illumina HumanOmniExpress-24-v1 BeadChip) by applying three algorithms, QuantiSNP, GADA (Genome Alteration Detection Algorithm) and CNstream in parallel. The acquired CNV calls were merged with HD-CNV (Hotspot Detector for Copy Number Variants) program and only the CNVs predicted by at least two programs, were considered in subsequent analysis.

Institute of Molecular and Cell Biology, University of Tartu
No classification provided. Condition: Normal pregnancy. Review status: no classification provided. Collection method: case-control. Allele origin: unknown. Affected: yes. Study: Kasak2014.
Comment: the same text as in the submission from Institute of Molecular and Cell Biology, University of Tartu above.

Institute of Molecular and Cell Biology, University of Tartu
No classification provided. Condition: Large for gestational age. Review status: no classification provided. Collection method: case-control. Allele origin: unknown. Affected: yes. Study: Kasak2014.
Comment: the same text as in the submission from Institute of Molecular and Cell Biology, University of Tartu above.

Institute of Molecular and Cell Biology, University of Tartu
No classification provided. Condition: Gestational diabetes mellitus uncontrolled. Review status: no classification provided. Collection method: case-control. Allele origin: unknown. Affected: yes. Study: Kasak2014.
Comment: the same text as in the submission from Institute of Molecular and Cell Biology, University of Tartu above.

Literature cited by the submitters: PubMed 25666259.